The following is an entry in ClinVar:

NM_001128929.3(ROBO2):c.19C>A (p.Arg7Ser)

Gene: ROBO2 (roundabout guidance receptor 2; plus strand). Cytogenetic location: 3p12.3.
Variant type: single nucleotide variant.
Coding change: c.19C>A on transcript NM_001128929.3; coding-DNA position 19, C replaced by A.
Protein change: p.Arg7Ser; replaces arginine 7 with serine.
Molecular consequence: missense variant.
Genome position (GRCh38, 1-based): chr3:75,937,512, C>A. VCF-style: chr3-75937512-C-A. GRCh37 (hg19) VCF-style: chr3-75986663-C-A.
Other names: c.19C>A, p.Arg7Ser (NM_001378190.1, NM_001378191.1, NM_001378195.1 and 4 more transcripts); short protein forms R7S.
Identifiers: ClinVar variation 518348 (VCV000518348.6), dbSNP rs12171318, ClinGen allele CA77722759.

ClinVar aggregate classification (germline): Benign. Review status: criteria provided, single submitter (1 of 4 stars). 3 submissions from 3 submitters: Benign (1). 2 of the submissions do not count toward it. Last evaluated 2016-02-15.

Conditions:
ROBO2-related disorder. Also called: ROBO2-related condition.
Vesicoureteral reflux 2 (VUR2). Identifiers: Orphanet 289365, MedGen C1970483, MONDO:0012573, OMIM 610878.

Allele frequency attached by ClinVar (database versions not stated): ExAC 0.50004.

Submissions (3):

Genome Diagnostics Laboratory, University Medical Center Utrecht
Classification: Benign for Vesicoureteral reflux 2. Last evaluated: 2016-02-15. Review status: criteria provided, single submitter. Criteria: ACGS Guidelines, 2013. Collection method: clinical testing. Allele origin: germline. Affected: yes. Study: VKGL Data-share Consensus.

PreventionGenetics, part of Exact Sciences
Classification: Benign for ROBO2-related condition. Last evaluated: 2020-11-18. Review status: no assertion criteria provided. Collection method: clinical testing. Allele origin: germline. Not counted in ClinVar's aggregate classification.
Comment: This variant is classified as benign based on ACMG/AMP sequence variant interpretation guidelines (Richards et al. 2015 PMID: 25741868, with internal and published modifications).

Diagnostic Laboratory, Department of Genetics, University Medical Center Groningen
Classification: Benign for Vesicoureteral reflux 2. Review status: no assertion criteria provided. Collection method: clinical testing. Allele origin: germline. Affected: yes. Study: VKGL Data-share Consensus. Not counted in ClinVar's aggregate classification.